The following is an entry in ClinVar:

NM_001042492.3(NF1):c.7971-15T>C

Gene: NF1 (neurofibromin 1; plus strand). Cytogenetic location: 17q11.2.
Variant type: single nucleotide variant.
Coding change: c.7971-15T>C on transcript NM_001042492.3 (MANE Select); 15 bases into the intron before coding-DNA position 7971, T replaced by C.
Molecular consequence: intron variant.
Genome position (GRCh38, 1-based): chr17:31,358,465, T>C. VCF-style: chr17-31358465-T-C. GRCh37 (hg19) VCF-style: chr17-29685483-T-C.
Other names: c.7908-15T>C (NM_000267.4).
Identifiers: ClinVar variation 2728507 (VCV002728507.4), dbSNP rs2508834493, ClinGen allele CA2637086839.

ClinVar aggregate classification (germline): Likely benign. Review status: criteria provided, multiple submitters, no conflicts (2 of 4 stars). 2 submissions from 2 submitters: Likely benign (2). Last evaluated 2026-09-22.

Conditions:
Neurofibromatosis, type 1 (NF1). Also called: VON RECKLINGHAUSEN DISEASE; NEUROFIBROMATOSIS, TYPE I, SOMATIC; Peripheral type neurofibromatosis; Neurofibromatosis, type I. Identifiers: Orphanet 636, MedGen C0027831, MONDO:0018975, OMIM 162200. Disease mechanism: loss of function.

Allele frequency attached by ClinVar (database versions not stated): gnomAD exomes below 0.00001.
gnomAD v4.1: 1 of 1,611,506 alleles (0.000062%); highest among the groups gnomAD compares: Non-Finnish European, 0.000085%; no homozygotes.

Submissions (2):

Myriad Genetics, Inc.
Classification: Likely benign for Neurofibromatosis, type 1. Last evaluated: 2026-09-22. Review status: criteria provided, single submitter. Criteria: Myriad Autosomal Dominant, Autosomal Recessive and X-Linked Classification Criteria (2023). Collection method: clinical testing. Allele origin: unknown.
Comment: This variant is considered likely benign. This variant is intronic and is not expected to impact mRNA splicing.

Labcorp Genetics (formerly Invitae), Labcorp
Classification: Likely benign for Neurofibromatosis, type 1. Last evaluated: 2026-01-26. Review status: criteria provided, single submitter. Criteria: Invitae Variant Classification Sherloc (09022015). Collection method: clinical testing. Allele origin: germline.